The following is an entry in ClinVar:

ClinVar aggregate classification (germline): Likely benign. Review status: criteria provided, single submitter (1 of 4 stars). 2 submissions from 2 submitters: Likely benign (1). 1 of the submissions does not count toward it. Last evaluated 2023-11-01.

Conditions:
PAX4-related disorder. Also called: PAX4-related condition.

Allele frequency attached by ClinVar (database versions not stated): TOPMed 0.00001; gnomAD exomes 0.00002; ExAC 0.00006.
gnomAD v4.1: 34 of 1,614,210 alleles (0.0021%); highest among the groups gnomAD compares: South Asian, 0.02%; no homozygotes.

Submissions (2):

CeGaT Center for Human Genetics Tuebingen
Classification: Likely benign. Last evaluated: 2023-11-01. Review status: criteria provided, single submitter. Criteria: CeGaT Center For Human Genetics Tuebingen Variant Classification Criteria Version 2. Collection method: clinical testing. Allele origin: germline. Affected: yes. Observed: 1 variant allele.
Comment: PAX4: BP4, BP7

PreventionGenetics, part of Exact Sciences
Classification: Likely benign for PAX4-related condition. Last evaluated: 2020-03-17. Review status: no assertion criteria provided. Collection method: clinical testing. Allele origin: germline. Not counted in ClinVar's aggregate classification.
Comment: This variant is classified as likely benign based on ACMG/AMP sequence variant interpretation guidelines (Richards et al. 2015 PMID: 25741868, with internal and published modifications).

NM_001366110.1(PAX4):c.96G>A (p.Arg32=)

Gene: PAX4 (paired box 4; minus strand). Cytogenetic location: 7q32.1.
Variant type: single nucleotide variant.
Coding change: c.96G>A on transcript NM_001366110.1 (MANE Select); coding-DNA position 96, G replaced by A.
Protein change: p.Arg32=; no amino-acid change (arginine 32 retained).
Molecular consequence: synonymous variant.
Genome position (GRCh38, 1-based): chr7:127,615,449, C>T on the plus strand (G>A on the coding strand, the complement: PAX4 is on the minus strand). VCF-style: chr7-127615449-C-T. GRCh37 (hg19) VCF-style: chr7-127255503-C-T.
Other names: NM_006193.2:c.72G>A; c.96G>A, p.Arg32= (NM_001366111.1).
Identifiers: ClinVar variation 2673127 (VCV002673127.24), dbSNP rs770946559, ClinGen allele CA4468234.